The following is an entry in ClinVar:

NM_001164508.2(NEB):c.6658A>G (p.Met2220Val)

Gene: NEB (nebulin; minus strand). Cytogenetic location: 2q23.3.
Variant type: single nucleotide variant.
Coding change: c.6658A>G on transcript NM_001164508.2 (MANE Select); coding-DNA position 6658, A replaced by G.
Protein change: p.Met2220Val; replaces methionine 2220 with valine.
Molecular consequence: missense variant.
Genome position (GRCh38, 1-based): chr2:151,655,861, T>C on the plus strand (A>G on the coding strand, the complement: NEB is on the minus strand). VCF-style: chr2-151655861-T-C. GRCh37 (hg19) VCF-style: chr2-152512375-T-C.
Other names: c.6658A>G, p.Met2220Val (NM_001164507.2, NM_001271208.2, NM_004543.5); c.6658A>G (NM_004543.4); short protein forms M2220V.
Identifiers: ClinVar variation 514559 (VCV000514559.4), dbSNP rs200481156, ClinGen allele CA1910049.

ClinVar aggregate classification (germline): Conflicting classifications of pathogenicity. Review status: criteria provided, conflicting classifications (1 of 4 stars). 3 submissions from 3 submitters: Uncertain significance (2); Likely benign (1). Last evaluated 2025-10-28.

Conditions:
Inborn genetic diseases. Identifiers: MedGen C0950123, MeSH D030342.
Nemaline myopathy 2 (NEM2). Also called: Nemaline myopathy 2, autosomal recessive. Identifiers: MedGen C1850569, MONDO:0009725, OMIM 256030.

Allele frequency attached by ClinVar (database versions not stated): TOPMed 0.00002; 1000 Genomes Project 0.00020; ExAC 0.00002; gnomAD exomes 0.00001 and 0.00003; gnomAD 0.00003 and 0.00002; 1000 Genomes Project 30x 0.00031.
gnomAD v4.1: 17 of 1,613,796 alleles (0.0011%); highest among the groups gnomAD compares: Admixed American, 0.018%; no homozygotes.

Submissions (3):

Ambry Genetics
Classification: Uncertain significance for Inborn genetic diseases. Last evaluated: 2025-10-28. Review status: criteria provided, single submitter. Criteria: Ambry Variant Classification Scheme 2023. Collection method: clinical testing. Allele origin: germline.

Labcorp Genetics (formerly Invitae), Labcorp
Classification: Uncertain significance for Nemaline myopathy 2. Last evaluated: 2021-08-25. Review status: criteria provided, single submitter. Criteria: Invitae Variant Classification Sherloc (09022015). Collection method: clinical testing. Allele origin: germline.
Comment: This sequence change replaces methionine with valine at codon 2220 of the NEB protein (p.Met2220Val). The methionine residue is moderately conserved and there is a small physicochemical difference between methionine and valine. This variant is present in population databases (rs200481156, ExAC 0.02%). This variant has not been reported in the literature in individuals affected with NEB-related conditions. ClinVar contains an entry for this variant (Variation ID: 514559). Algorithms developed to predict the effect of missense changes on protein structure and function are either unavailable or do not agree on the potential impact of this missense change (SIFT: "Tolerated"; PolyPhen-2: "Not Available"; Align-GVGD: "Class C0"). In summary, the available evidence is currently insufficient to determine the role of this variant in disease. Therefore, it has been classified as a Variant of Uncertain Significance.

GeneDx
Classification: Likely benign. Last evaluated: 2018-01-11. Review status: criteria provided, single submitter. Criteria: GeneDx Variant Classification (06012015). Collection method: clinical testing. Allele origin: germline. Affected: yes.
Comment: This variant is considered likely benign or benign based on one or more of the following criteria: it is a conservative change, it occurs at a poorly conserved position in the protein, it is predicted to be benign by multiple in silico algorithms, and/or has population frequency not consistent with disease.